The following is an entry in ClinVar:

ClinVar aggregate classification (germline): Uncertain significance (1 of 4 stars; one submission).

Conditions:
DMD-related disorder. Also called: DMD-related condition.

Submission:

PreventionGenetics, part of Exact Sciences
Classification: Uncertain significance for DMD-related condition. Last evaluated: 2026-03-26. Review status: criteria provided, single submitter. Criteria: ACMG Guidelines, 2015. Collection method: clinical testing. Allele origin: germline.
Comment: The DMD c.1382A>C variant is predicted to result in the amino acid substitution p.Asn461Thr. To our knowledge, this variant has not been reported in the literature or in a large population database (gnomAD), indicating this variant is rare. At this time, the clinical significance of this variant is uncertain due to the absence of conclusive functional and genetic evidence.

NM_004006.3(DMD):c.1382A>C (p.Asn461Thr)

Gene: DMD (dystrophin; minus strand). Cytogenetic location: Xp21.1.
Variant type: single nucleotide variant.
Coding change: c.1382A>C on transcript NM_004006.3 (MANE Select); coding-DNA position 1382, A replaced by C.
Protein change: p.Asn461Thr; replaces asparagine 461 with threonine.
Molecular consequence: missense variant.
Genome position (GRCh38, 1-based): chrX:32,614,403, T>G on the plus strand (A>C on the coding strand, the complement: DMD is on the minus strand). VCF-style: chrX-32614403-T-G. GRCh37 (hg19) VCF-style: chrX-32632520-T-G.
Other names: c.1358A>C, p.Asn453Thr (NM_000109.4); c.1370A>C, p.Asn457Thr (NM_004009.3); c.1013A>C, p.Asn338Thr (NM_004010.3); short protein forms N453T, N457T, N338T, N461T.
Identifiers: ClinVar variation 4994023 (VCV004994023.1).